The following is an entry in ClinVar:

NM_139076.3(ABRAXAS1):c.1033A>G (p.Lys345Glu)

Gene: ABRAXAS1 (abraxas 1, BRCA1 A complex subunit; minus strand). Cytogenetic location: 4q21.23.
Variant type: single nucleotide variant.
Coding change: c.1033A>G on transcript NM_139076.3 (MANE Select); coding-DNA position 1033, A replaced by G.
Protein change: p.Lys345Glu; replaces lysine 345 with glutamic acid.
Molecular consequence: missense variant.
Genome position (GRCh38, 1-based): chr4:83,462,666, T>C on the plus strand (A>G on the coding strand, the complement: ABRAXAS1 is on the minus strand). VCF-style: chr4-83462666-T-C. GRCh37 (hg19) VCF-style: chr4-84383819-T-C.
Other names: c.706A>G, p.Lys236Glu (NM_001345962.2); short protein forms K236E, K345E.
Identifiers: ClinVar variation 1038836 (VCV001038836.8), dbSNP rs1722172481, ClinGen allele CA357255416.

ClinVar aggregate classification (germline): Uncertain significance (1 of 4 stars; one submission).

Submission:

Labcorp Genetics (formerly Invitae), Labcorp
Classification: Uncertain significance. Last evaluated: 2018-01-06. Review status: criteria provided, single submitter. Criteria: Invitae Variant Classification Sherloc (09022015). Collection method: clinical testing. Allele origin: germline.
Comment: Algorithms developed to predict the effect of missense changes on protein structure and function do not agree on the potential impact of this missense change (SIFT: "Deleterious"; PolyPhen-2: "Probably Damaging"; Align-GVGD: "Class C0"). This variant is not present in population databases (ExAC no frequency). This variant has not been reported in the literature in individuals with FAM175A-related disease. In summary, the available evidence is currently insufficient to determine the role of this variant in disease. Therefore, it has been classified as a Variant of Uncertain Significance. This sequence change replaces lysine with glutamic acid at codon 345 of the FAM175A protein (p.Lys345Glu). The lysine residue is highly conserved and there is a small physicochemical difference between lysine and glutamic acid.